The following is an entry in ClinVar:

NM_177438.3(DICER1):c.2099A>G (p.Glu700Gly)

Gene: DICER1 (dicer 1, ribonuclease III; minus strand). Cytogenetic location: 14q32.13.
Variant type: single nucleotide variant.
Coding change: c.2099A>G on transcript NM_177438.3 (MANE Select); coding-DNA position 2099, A replaced by G.
Protein change: p.Glu700Gly; replaces glutamic acid 700 with glycine.
Molecular consequence: missense variant.
Genome position (GRCh38, 1-based): chr14:95,112,189, T>C on the plus strand (A>G on the coding strand, the complement: DICER1 is on the minus strand). VCF-style: chr14-95112189-T-C. GRCh37 (hg19) VCF-style: chr14-95578526-T-C.
Other names: c.2099A>G, p.Glu700Gly (NM_001195573.1, NM_001271282.3, NM_001291628.2 and 1 more transcripts); short protein forms E700G.
Identifiers: ClinVar variation 477086 (VCV000477086.17), dbSNP rs376691754, ClinGen allele CA7331319.
Genomic context (GRCh38, chr14:95,112,189, plus strand): 5'-TGCAATTTATTTTCATTCGTATATGCTTTTCAAACATCCTTACCAATTTTGTGCAGTTTC[T>C]CACAGCAAATGAGAGCTACAACTCTTTCAGCCAATCGTACACAGCTCATTGGTGGACCCT-3'
Protein context (NP_803187.1, residues 690-710): AERVVALICC[Glu700Gly]KLHKIGELDD

ClinVar aggregate classification (germline): Uncertain significance. Review status: criteria provided, multiple submitters, no conflicts (2 of 4 stars). 3 submissions from 3 submitters: Uncertain significance (3). Last evaluated 2025-04-17.

Conditions:
DICER1-related tumor predisposition. Also called: DICER1-related pleuropulmonary blastoma cancer predisposition syndrome; DICER1 syndrome. Identifiers: Orphanet 284343, MedGen C3839822, MONDO:0100216.
Hereditary cancer-predisposing syndrome. Also called: Tumor predisposition; Neoplastic Syndromes, Hereditary; Hereditary Cancer Syndrome; Hereditary neoplastic syndrome. Identifiers: Orphanet 140162, MedGen C0027672, MeSH D009386, MONDO:0015356.

Allele frequency attached by ClinVar (database versions not stated): gnomAD exomes below 0.00001; ExAC 0.00001; ESP Exome Variant Server 0.00008.

Submissions (3):

Labcorp Genetics (formerly Invitae), Labcorp
Classification: Uncertain significance for DICER1-related tumor predisposition. Last evaluated: 2025-04-17. Review status: criteria provided, single submitter. Criteria: Invitae Variant Classification Sherloc (09022015). Collection method: clinical testing. Allele origin: germline.
Comment: This sequence change replaces glutamic acid, which is acidic and polar, with glycine, which is neutral and non-polar, at codon 700 of the DICER1 protein (p.Glu700Gly). This variant is present in population databases (rs376691754, gnomAD 0.0009%). This variant has not been reported in the literature in individuals affected with DICER1-related conditions. ClinVar contains an entry for this variant (Variation ID: 477086). Invitae Evidence Modeling of protein sequence and biophysical properties (such as structural, functional, and spatial information, amino acid conservation, physicochemical variation, residue mobility, and thermodynamic stability) indicates that this missense variant is not expected to disrupt DICER1 protein function with a negative predictive value of 95%. In summary, the available evidence is currently insufficient to determine the role of this variant in disease. Therefore, it has been classified as a Variant of Uncertain Significance.

Hereditary Cancer Group, L’Institut d'Investigació Biomèdica de Bellvitge
Classification: Uncertain significance for Hereditary cancer-predisposing syndrome. Last evaluated: 2024-12-19. Review status: criteria provided, single submitter. Criteria: Hatton et al. (Hum Mutat. 2023). Collection method: clinical testing. Allele origin: germline. Inheritance: Autosomal dominant inheritance. Affected: yes.
Comment: PM2_supporting, BP4

Ambry Genetics
Classification: Uncertain significance for Hereditary cancer-predisposing syndrome. Last evaluated: 2024-06-23. Review status: criteria provided, single submitter. Criteria: Ambry Variant Classification Scheme 2023. Collection method: clinical testing. Allele origin: germline.
Comment: The p.E700G variant (also known as c.2099A>G), located in coding exon 12 of the DICER1 gene, results from an A to G substitution at nucleotide position 2099. The glutamic acid at codon 700 is replaced by glycine, an amino acid with similar properties. This amino acid position is highly conserved in available vertebrate species. In addition, this alteration is predicted to be tolerated by in silico analysis. Since supporting evidence is limited at this time, the clinical significance of this alteration remains unclear.